The following is an entry in ClinVar:

NM_004656.4(BAP1):c.1652delinsATC (p.Arg551fs)

Gene: BAP1 (BRCA1 associated deubiquitinase 1; minus strand). Cytogenetic location: 3p21.1.
Variant type: Indel.
Coding change: c.1652delinsATC on transcript NM_004656.4 (MANE Select); coding-DNA position 1652, G replaced by ATC.
Protein change: p.Arg551fs; shifts the reading frame from arginine 551.
Molecular consequence: frameshift variant.
Genome position (GRCh38, 1-based): chr3:52,403,493, C replaced by GAT on the plus strand (G replaced by ATC on the coding strand, the reverse complement: BAP1 is on the minus strand). VCF-style: chr3-52403493-C-GAT. GRCh37 (hg19) VCF-style: chr3-52437509-C-GAT.
Other names: c.1598delinsATC, p.Arg533fs (NM_001410772.1); short protein forms R533fs, R551fs.
Identifiers: ClinVar variation 2774744 (VCV002774744.2), dbSNP rs2471327413, ClinGen allele CA2697556700.
Genomic context (GRCh38, chr3:52,403,493, plus strand): 5'-CTCAGCACCCCATCCTCAGCCAGGTGCAGCAGGCCTGTGCTGATGACAGGACCCAGATCA[C>GAT]GGACAGCACGGTTGTAGCGTATGCAGTCAACACGCAGCAGGCTGTCATCCTCTCCAAAAA-3'

ClinVar aggregate classification (germline): Pathogenic (1 of 4 stars; one submission).

Conditions:
Hereditary cancer-predisposing syndrome. Also called: Neoplastic Syndromes, Hereditary; Tumor predisposition; Hereditary Cancer Syndrome; Hereditary neoplastic syndrome. Identifiers: Orphanet 140162, MedGen C0027672, MeSH D009386, MONDO:0015356.

Submission:

Color Diagnostics, LLC DBA Color Health
Classification: Pathogenic for Hereditary cancer-predisposing syndrome. Last evaluated: 2022-11-22. Review status: criteria provided, single submitter. Criteria: ACMG Guidelines, 2015. Collection method: clinical testing. Allele origin: germline.
Comment: This variant deletes 1 nucleotide and inserts 3 nucleotides in exon 13 of the BAP1 gene, creating a premature translation stop signal. This variant is expected to result in an absent or non-functional protein product. This variant has not been reported in individuals affected with BAP1-related disorders in the literature. This variant has not been identified in the general population by the Genome Aggregation Database (gnomAD). Loss of BAP1 function is a known mechanism of disease. Based on the available evidence, this variant is classified as Pathogenic.